The following is an entry in ClinVar:

ClinVar aggregate classification (germline): Conflicting classifications of pathogenicity. Review status: criteria provided, conflicting classifications (1 of 4 stars). 7 submissions from 7 submitters: Uncertain significance (1); Likely benign (5). 1 of the submissions does not count toward it. Last evaluated 2026-04-01.

Conditions:
Inborn genetic diseases. Identifiers: MedGen C0950123, MeSH D030342.
ASXL2-related disorder. Also called: ASXL2-related condition.
Shashi-Pena syndrome (SHAPNS). Identifiers: Orphanet 689408, MedGen C4310672, MONDO:0014963, OMIM 617190.

Allele frequency attached by ClinVar (database versions not stated): 1000 Genomes Project 30x 0.00078; 1000 Genomes Project 0.00080; ExAC 0.00084; TOPMed 0.00093; gnomAD 0.00097 and 0.00101; gnomAD exomes 0.00134 and 0.00097; ESP Exome Variant Server 0.00105.
gnomAD v4.1: 2,132 of 1,613,644 alleles (0.13%); highest among the groups gnomAD compares: Middle Eastern, 0.15%; 1 homozygote.

Submissions (7):

CeGaT Center for Human Genetics Tuebingen
Classification: Likely benign. Last evaluated: 2026-04-01. Review status: criteria provided, single submitter. Criteria: CeGaT Center For Human Genetics Tuebingen Variant Classification Criteria Version 2. Collection method: clinical testing. Allele origin: germline. Affected: yes. Observed: 3 variant alleles.
Comment: ASXL2: BP4, BS1

Labcorp Genetics (formerly Invitae), Labcorp
Classification: Likely benign. Last evaluated: 2026-01-19. Review status: criteria provided, single submitter. Criteria: Invitae Variant Classification Sherloc (09022015). Collection method: clinical testing. Allele origin: germline.

GeneDx
Classification: Uncertain significance. Last evaluated: 2025-06-17. Review status: criteria provided, single submitter. Criteria: GeneDx Variant Classification Process June 2021. Collection method: clinical testing. Allele origin: germline. Affected: yes.
Comment: In silico analysis suggests that this missense variant does not alter protein structure/function; Has not been previously published as pathogenic or benign to our knowledge

Blueprint Genetics
Classification: Likely benign. Last evaluated: 2024-09-13. Review status: criteria provided, single submitter. Criteria: ACMG Guidelines, 2015. Collection method: clinical testing. Allele origin: germline.

Revvity Omics, Revvity
Classification: Likely benign for Shashi-Pena syndrome. Last evaluated: 2023-11-06. Review status: criteria provided, single submitter. Criteria: ACMG Guidelines, 2015. Collection method: clinical testing. Allele origin: germline.

Ambry Genetics
Classification: Likely benign for Inborn genetic diseases. Last evaluated: 2022-08-18. Review status: criteria provided, single submitter. Criteria: Ambry Variant Classification Scheme 2023. Collection method: clinical testing. Allele origin: germline.

PreventionGenetics, part of Exact Sciences
Classification: Benign for ASXL2-related condition. Last evaluated: 2024-04-03. Review status: no assertion criteria provided. Collection method: clinical testing. Allele origin: germline. Not counted in ClinVar's aggregate classification.
Comment: This variant is classified as benign based on ACMG/AMP sequence variant interpretation guidelines (Richards et al. 2015 PMID: 25741868, with internal and published modifications).

NM_018263.6(ASXL2):c.529A>C (p.Lys177Gln)

Gene: ASXL2 (ASXL transcriptional regulator 2; minus strand). Cytogenetic location: 2p23.3.
Variant type: single nucleotide variant.
Coding change: c.529A>C on transcript NM_018263.6 (MANE Select); coding-DNA position 529, A replaced by C.
Protein change: p.Lys177Gln; replaces lysine 177 with glutamine.
Molecular consequence: missense variant. On other transcripts: 5 prime UTR variant (1).
Genome position (GRCh38, 1-based): chr2:25,768,844, T>G on the plus strand (A>C on the coding strand, the complement: ASXL2 is on the minus strand). VCF-style: chr2-25768844-T-G. GRCh37 (hg19) VCF-style: chr2-25991713-T-G.
Other names: c.355A>C, p.Lys119Gln (NM_001369346.1); c.-252A>C (NM_001369347.1); short protein forms K177Q, K119Q.
Identifiers: ClinVar variation 790498 (VCV000790498.38), dbSNP rs190136878, ClinGen allele CA1558020.